The following is an entry in ClinVar:

NM_000218.3(KCNQ1):c.1944C>G (p.Val648=)

Genes: KCNQ1 (potassium voltage-gated channel subfamily Q member 1; plus strand), KCNQ1-AS1 (KCNQ1 antisense RNA 1; minus strand). Cytogenetic location: 11p15.4.
Variant type: single nucleotide variant.
Coding change: c.1944C>G on transcript NM_000218.3 (MANE Select); coding-DNA position 1944, C replaced by G.
Protein change: p.Val648=; no amino-acid change (valine 648 retained).
Molecular consequence: synonymous variant.
Genome position (GRCh38, 1-based): chr11:2,847,916, C>G. VCF-style: chr11-2847916-C-G. GRCh37 (hg19) VCF-style: chr11-2869146-C-G.
Other names: c.1848C>G, p.Val616= (NM_001406836.1); c.1674C>G, p.Val558= (NM_001406837.1); c.1404C>G, p.Val468= (NM_001406838.1); c.456C>G, p.Val152= (NM_001406839.1); c.1563C>G, p.Val521= (NM_181798.2).
Identifiers: ClinVar variation 3074275 (VCV003074275.2), dbSNP rs201698592, ClinGen allele CA472466854.

ClinVar aggregate classification (germline): Likely benign. Review status: criteria provided, multiple submitters, no conflicts (2 of 4 stars). 2 submissions from 2 submitters: Likely benign (2). Last evaluated 2025-12-30.

Conditions:
Long QT syndrome (LQTS). Identifiers: MedGen C0023976, MeSH D008133, MONDO:0002442. Disease mechanism: loss of function. Inheritance: Various modes of inheritance.

gnomAD v4.1: 2 of 1,575,714 alleles (0.00013%); highest among the groups gnomAD compares: Non-Finnish European, 0.00017%; no homozygotes.

Submissions (2):

Labcorp Genetics (formerly Invitae), Labcorp
Classification: Likely benign for Long QT syndrome. Last evaluated: 2025-12-30. Review status: criteria provided, single submitter. Criteria: Invitae Variant Classification Sherloc (09022015). Collection method: clinical testing. Allele origin: germline.

All of Us Research Program, National Institutes of Health
Classification: Likely benign for Long QT syndrome. Last evaluated: 2023-11-02. Review status: criteria provided, single submitter. Criteria: ACMG Guidelines, 2015. Collection method: clinical testing. Allele origin: germline. Inheritance: Autosomal dominant inheritance. Observed: 1 variant allele, 1 heterozygote.
Comment: This study involves interpretation of variants in research participants for the purpose of population health screening. Participant phenotype was not available at the time of variant classification. Additional details can be found in publication PMID: 35346344, PMCID: PMC8962531